The following is an entry in ClinVar:

NM_016239.4(MYO15A):c.298_321del (p.Lys100_Met107del)

Gene: MYO15A (myosin XVA; plus strand). Cytogenetic location: 17p11.2.
Variant type: Deletion.
Coding change: c.298_321del on transcript NM_016239.4 (MANE Select); coding-DNA positions 298 to 321, 24 bases deleted (AAGGGCAAGAAGCCGTCCTTCATG).
Protein change: p.Lys100_Met107del.
Genome position (GRCh38, 1-based): chr17:18,119,098-18,119,121, AAGGGCAAGAAGCCGTCCTTCATG deleted; deleting any 24 consecutive bases within chr17:18,119,095-18,119,121 gives the same sequence; the c. name uses the placement nearest the transcript's 3' end. VCF-style (leftmost placement, unchanged base first): chr17-18119094-GATGAAGGGCAAGAAGCCGTCCTTC-G. GRCh37 (hg19) VCF-style: chr17-18022408-GATGAAGGGCAAGAAGCCGTCCTTC-G.
Identifiers: ClinVar variation 3391587 (VCV003391587.1).

ClinVar aggregate classification (germline): Uncertain significance (1 of 4 stars; one submission).

Submission:

GeneDx
Classification: Uncertain significance. Last evaluated: 2024-06-18. Review status: criteria provided, single submitter. Criteria: GeneDx Variant Classification Process June 2021. Collection method: clinical testing. Allele origin: germline. Affected: yes.
Comment: Not observed at significant frequency in large population cohorts (gnomAD); In-frame deletion of eight amino acids in a non-repeat region; In silico analysis supports a deleterious effect on protein structure/function; Has not been previously published as pathogenic or benign to our knowledge